The following is an entry in ClinVar:

NM_001267550.2(TTN):c.65338C>T (p.Arg21780Cys)

Genes: TTN (titin; minus strand), TTN-AS1 (TTN antisense RNA 1; plus strand). Cytogenetic location: 2q31.2.
Variant type: single nucleotide variant.
Coding change: c.65338C>T on transcript NM_001267550.2 (MANE Select); coding-DNA position 65338, C replaced by T.
Protein change: p.Arg21780Cys; replaces arginine 21780 with cysteine.
Molecular consequence: missense variant. On other transcripts: non-coding transcript variant (1).
Genome position (GRCh38, 1-based): chr2:178,583,844, G>A on the plus strand (C>T on the coding strand, the complement: TTN is on the minus strand). VCF-style: chr2-178583844-G-A. GRCh37 (hg19) VCF-style: chr2-179448571-G-A.
Other names: c.60415C>T, p.Arg20139Cys (NM_001256850.1); c.38143C>T, p.Arg12715Cys (NM_003319.4); c.57634C>T, p.Arg19212Cys (NM_133378.4); c.38518C>T, p.Arg12840Cys (NM_133432.3); c.38719C>T, p.Arg12907Cys (NM_133437.4); short protein forms R20139C, R12715C, R12840C, R12907C, R21780C, R19212C.
Identifiers: ClinVar variation 1735185 (VCV001735185.2), dbSNP rs745681257, ClinGen allele CA1991721.

ClinVar aggregate classification (germline): Uncertain significance (1 of 4 stars; one submission).

Conditions:
Cardiovascular phenotype. Identifiers: MedGen CN230736.

Allele frequency attached by ClinVar (database versions not stated): ExAC 0.00001; gnomAD 0.00001; gnomAD exomes 0.00001; TOPMed 0.00003.
gnomAD v4.1: 21 of 1,608,632 alleles (0.0013%); highest among the groups gnomAD compares: Non-Finnish European, 0.0017%; no homozygotes.

Submission:

Ambry Genetics
Classification: Uncertain significance for Cardiovascular phenotype. Last evaluated: 2020-01-30. Review status: criteria provided, single submitter. Criteria: Ambry Variant Classification Scheme 2023. Collection method: clinical testing. Allele origin: germline.
Comment: The p.R12715C variant (also known as c.38143C>T), located in coding exon 139 of the TTN gene, results from a C to T substitution at nucleotide position 38143. The arginine at codon 12715 is replaced by cysteine, an amino acid with highly dissimilar properties. This amino acid position is highly conserved in available vertebrate species. In addition, this alteration is predicted to be tolerated by in silico analysis. Since supporting evidence is limited at this time, the clinical significance of this alteration remains unclear.